The following is an entry in ClinVar:

NM_001134673.4(NFIA):c.482T>C (p.Leu161Pro)

Gene: NFIA (nuclear factor I A; plus strand). Cytogenetic location: 1p31.3.
Variant type: single nucleotide variant.
Coding change: c.482T>C on transcript NM_001134673.4 (MANE Select); coding-DNA position 482, T replaced by C.
Protein change: p.Leu161Pro; replaces leucine 161 with proline.
Molecular consequence: missense variant.
Genome position (GRCh38, 1-based): chr1:61,088,603, T>C. VCF-style: chr1-61088603-T-C. GRCh37 (hg19) VCF-style: chr1-61554275-T-C.
Other names: c.458T>C, p.Leu153Pro (NM_001145511.2); c.617T>C, p.Leu206Pro (NM_001145512.2); c.482T>C, p.Leu161Pro (NM_005595.5); short protein forms L153P, L206P, L161P.
Identifiers: ClinVar variation 1042864 (VCV001042864.10), dbSNP rs1646261569, ClinGen allele CA340587150.

ClinVar aggregate classification (germline): Uncertain significance (1 of 4 stars; one submission).

Submission:

Labcorp Genetics (formerly Invitae), Labcorp
Classification: Uncertain significance. Last evaluated: 2022-04-04. Review status: criteria provided, single submitter. Criteria: Invitae Variant Classification Sherloc (09022015). Collection method: clinical testing. Allele origin: germline.
Comment: This sequence change replaces leucine, which is neutral and non-polar, with proline, which is neutral and non-polar, at codon 161 of the NFIA protein (p.Leu161Pro). This variant is not present in population databases (gnomAD no frequency). This variant has not been reported in the literature in individuals affected with NFIA-related conditions. ClinVar contains an entry for this variant (Variation ID: 1042864). Algorithms developed to predict the effect of missense changes on protein structure and function (SIFT, PolyPhen-2, Align-GVGD) all suggest that this variant is likely to be disruptive. In summary, the available evidence is currently insufficient to determine the role of this variant in disease. Therefore, it has been classified as a Variant of Uncertain Significance.